The following is an entry in ClinVar:

NM_000883.4(IMPDH1):c.1222G>C (p.Val408Leu)

Gene: IMPDH1 (inosine monophosphate dehydrogenase 1; minus strand). Cytogenetic location: 7q32.1.
Variant type: single nucleotide variant.
Coding change: c.1222G>C on transcript NM_000883.4 (MANE Select); coding-DNA position 1222, G replaced by C.
Protein change: p.Val408Leu; replaces valine 408 with leucine.
Molecular consequence: missense variant.
Genome position (GRCh38, 1-based): chr7:128,396,639, C>G on the plus strand (G>C on the coding strand, the complement: IMPDH1 is on the minus strand). VCF-style: chr7-128396639-C-G. GRCh37 (hg19) VCF-style: chr7-128036693-C-G.
Other names: c.1192G>C, p.Val398Leu (NM_001102605.2); c.967G>C, p.Val323Leu (NM_001142573.2); c.952G>C, p.Val318Leu (NM_001142574.2); c.892G>C, p.Val298Leu (NM_001142575.2); c.1123G>C, p.Val375Leu (NM_001142576.2); c.1015G>C, p.Val339Leu (NM_001304521.2); c.1114G>C, p.Val372Leu (NM_183243.3); short protein forms V323L, V339L, V408L, V318L, V298L, V375L, V398L, V372L.
Identifiers: ClinVar variation 2880610 (VCV002880610.3), dbSNP rs1451937347, ClinGen allele CA369165119.
Genomic context (GRCh38, chr7:128,396,639, plus strand): 5'-CGCTCACCTCCTGACACCCACCTTCCTGGGTGATGCAGATGGAGCCGCAGCCCATGCCCA[C>G]GCGCAGCCCGTCCACACCAGCATCAATCAGGTTCTTGGCCTGGGCTGCTGTCACCACTGG-3'
Protein context (NP_000874.2, residues 398-418): LIDAGVDGLR[Val408Leu]GMGCGSICIT

ClinVar aggregate classification (germline): Uncertain significance (1 of 4 stars; one submission).

Allele frequency attached by ClinVar (database versions not stated): TOPMed below 0.00001.

Submission:

Labcorp Genetics (formerly Invitae), Labcorp
Classification: Uncertain significance. Last evaluated: 2023-09-10. Review status: criteria provided, single submitter. Criteria: Invitae Variant Classification Sherloc (09022015). Collection method: clinical testing. Allele origin: germline.
Comment: This sequence change replaces valine, which is neutral and non-polar, with leucine, which is neutral and non-polar, at codon 408 of the IMPDH1 protein (p.Val408Leu). In summary, the available evidence is currently insufficient to determine the role of this variant in disease. Therefore, it has been classified as a Variant of Uncertain Significance. An algorithm developed to predict the effect of missense changes on protein structure and function (PolyPhen-2) suggests that this variant is likely to be tolerated. This variant has not been reported in the literature in individuals affected with IMPDH1-related conditions. This variant is present in population databases (no rsID available, gnomAD 0.01%).